The following is an entry in ClinVar:

ClinVar aggregate classification (germline): Pathogenic (1 of 4 stars; one submission).

Submission:

Labcorp Genetics (formerly Invitae), Labcorp
Classification: Pathogenic. Last evaluated: 2022-02-12. Review status: criteria provided, single submitter. Criteria: Invitae Variant Classification Sherloc (09022015). Collection method: clinical testing. Allele origin: germline.
Comment: For these reasons, this variant has been classified as Pathogenic. This variant has not been reported in the literature in individuals affected with TNFRSF11A-related conditions. This variant is not present in population databases (gnomAD no frequency). This sequence change creates a premature translational stop signal (p.Ala241Hisfs*17) in the TNFRSF11A gene. It is expected to result in an absent or disrupted protein product. Loss-of-function variants in TNFRSF11A are known to be pathogenic (PMID: 10677500, 18606301, 22271396).

Literature cited by the submitters: PubMed 10677500; PubMed 18606301; PubMed 22271396.

NM_003839.4(TNFRSF11A):c.720del (p.Ala241fs)

Gene: TNFRSF11A (TNF receptor superfamily member 11a; plus strand). Cytogenetic location: 18q21.33.
Variant type: Deletion.
Coding change: c.720del on transcript NM_003839.4 (MANE Select); coding-DNA position 720, one base deleted (A; older notation c.720delA).
Protein change: p.Ala241fs; shifts the reading frame from alanine 241.
Molecular consequence: frameshift variant. On other transcripts: intron variant (1).
Genome position (GRCh38, 1-based): chr18:62,361,783, A deleted; the last of 3 consecutive A bases (chr18:62,361,781-62,361,783); deleting any one gives the same sequence. VCF-style (leftmost placement, unchanged base first): chr18-62361780-GA-G. GRCh37 (hg19) VCF-style: chr18-60029013-GA-G.
Other names: c.720del, p.Ala241fs (NM_001270949.2, NM_001270950.2); c.678del, p.Ala227fs (NM_001278268.2); c.616+1734del (NM_001270951.2); short protein forms A241fs, A227fs.
Identifiers: ClinVar variation 2097157 (VCV002097157.4), dbSNP rs2511575841, ClinGen allele CA2580095987.